The following is an entry in ClinVar:

ClinVar aggregate classification (germline): Uncertain significance. Review status: criteria provided, multiple submitters, no conflicts (2 of 4 stars). 3 submissions from 3 submitters: Uncertain significance (3). Last evaluated 2025-06-10.

Allele frequency attached by ClinVar (database versions not stated): gnomAD 0.00001; gnomAD exomes 0.00001 and 0.00007; TOPMed 0.00003; ExAC 0.00005.
gnomAD v4.1: 19 of 1,614,148 alleles (0.0012%); highest among the groups gnomAD compares: Admixed American, 0.032%; no homozygotes.

Submissions (3):

GeneDx
Classification: Uncertain significance. Last evaluated: 2025-06-10. Review status: criteria provided, single submitter. Criteria: GeneDx Variant Classification Process June 2021. Collection method: clinical testing. Allele origin: germline.
Comment: In silico analysis suggests that this missense variant does not alter protein structure/function; Has not been previously published as pathogenic or benign to our knowledge

Labcorp Genetics (formerly Invitae), Labcorp
Classification: Uncertain significance. Last evaluated: 2025-04-21. Review status: criteria provided, single submitter. Criteria: Invitae Variant Classification Sherloc (09022015). Collection method: clinical testing. Allele origin: germline.
Comment: This sequence change replaces glutamine, which is neutral and polar, with arginine, which is basic and polar, at codon 1168 of the TJP2 protein (p.Gln1168Arg). This variant is present in population databases (rs759725360, gnomAD 0.05%). This variant has not been reported in the literature in individuals affected with TJP2-related conditions. ClinVar contains an entry for this variant (Variation ID: 593513). An algorithm developed to predict the effect of missense changes on protein structure and function (PolyPhen-2) suggests that this variant is likely to be tolerated. In summary, the available evidence is currently insufficient to determine the role of this variant in disease. Therefore, it has been classified as a Variant of Uncertain Significance.

Eurofins Ntd Llc (ga)
Classification: Uncertain significance. Last evaluated: 2017-08-04. Review status: criteria provided, single submitter. Criteria: EGL Classification Definitions 2015. Collection method: clinical testing. Allele origin: germline. Observed: 1 variant allele, 1 heterozygote.

NM_004817.4(TJP2):c.3503A>G (p.Gln1168Arg)

Gene: TJP2 (tight junction protein 2; plus strand). Cytogenetic location: 9q21.11.
Variant type: single nucleotide variant.
Coding change: c.3503A>G on transcript NM_004817.4 (MANE Select); coding-DNA position 3503, A replaced by G.
Protein change: p.Gln1168Arg; replaces glutamine 1168 with arginine.
Molecular consequence: missense variant.
Genome position (GRCh38, 1-based): chr9:69,254,304, A>G. VCF-style: chr9-69254304-A-G. GRCh37 (hg19) VCF-style: chr9-71869220-A-G.
Other names: c.3503A>G, p.Gln1168Arg (LRG_1201t1); c.3503A>G (NM_004817.3); c.2993A>G, p.Gln998Arg (NM_001170414.2); c.3404A>G, p.Gln1135Arg (NM_001170415.1); c.3596A>G, p.Gln1199Arg (NM_001170416.2); c.3428A>G, p.Gln1143Arg (NM_001369870.1); c.3434A>G, p.Gln1145Arg (NM_001369871.1); c.3392A>G, p.Gln1131Arg (NM_001369872.1); and 4 more; short protein forms Q1168R, Q1135R, Q1143R, Q1199R, Q1025R, Q1145R, Q1172R, Q998R.
Identifiers: ClinVar variation 593513 (VCV000593513.12), dbSNP rs759725360, ClinGen allele CA5074003.